The following is an entry in ClinVar:

NM_006766.5(KAT6A):c.1433C>T (p.Thr478Ile)

Gene: KAT6A (lysine acetyltransferase 6A; minus strand). Cytogenetic location: 8p11.21.
Variant type: single nucleotide variant.
Coding change: c.1433C>T on transcript NM_006766.5 (MANE Select); coding-DNA position 1433, C replaced by T.
Protein change: p.Thr478Ile; replaces threonine 478 with isoleucine.
Molecular consequence: missense variant.
Genome position (GRCh38, 1-based): chr8:41,974,753, G>A on the plus strand (C>T on the coding strand, the complement: KAT6A is on the minus strand). VCF-style: chr8-41974753-G-A. GRCh37 (hg19) VCF-style: chr8-41832271-G-A.
Other names: c.1433C>T, p.Thr478Ile (NM_001305878.2); short protein forms T478I.
Identifiers: ClinVar variation 432911 (VCV000432911.3), dbSNP rs1554688023, ClinGen allele CA371075351.

ClinVar aggregate classification (germline): Uncertain significance. Review status: criteria provided, single submitter (1 of 4 stars). 2 submissions from 2 submitters: Uncertain significance (1). 1 of the submissions does not count toward it. Last evaluated 2017-06-20.

Conditions:
Vein of Galen aneurysmal malformation (VGAM). Also called: Vein of Galen malformation; Vein of Galen aneurysm; Ectasia or varix of the vein of Galen; Galenic arteriovenous malformation; Vein of Galen aneurysm malformation; Galen vein aneurysm. Identifiers: Orphanet 1053, MedGen C0431420, MONDO:0015196, HP:0030713.

Allele frequency attached by ClinVar (database versions not stated): gnomAD exomes below 0.00001.

Submissions (2):

GeneDx
Classification: Uncertain significance. Last evaluated: 2017-06-20. Review status: criteria provided, single submitter. Criteria: GeneDx Variant Classification (06012015). Collection method: clinical testing. Allele origin: germline. Affected: yes.
Comment: The T478I variant in the KAT6A gene has not been reported previously as a pathogenic variant, nor as a benign variant, to our knowledge. The T478I variant is not observed in large population cohorts (Lek et al., 2016; 1000 Genomes Consortium et al., 2015; Exome Variant Server). The T478I variant is a non-conservative amino acid substitution, which is likely to impact secondary protein structure as these residues differ in polarity, charge, size and/or other properties. This substitution occurs at a position where amino acids with similar properties to Threonine are tolerated across species. In silico analysis predicts this variant is probably damaging to the protein structure/function. We interpret T478I as a variant of uncertain significance.

Yale Center for Mendelian Genomics, Yale University
Classification: association for Vein of Galen aneurysmal malformation. Last evaluated: 2018-12-18. Review status: no assertion criteria provided. Collection method: literature only. Allele origin: de novo. Affected: yes. Observed: 1 heterozygote. Study: Yale Center for Mendelian Genomics. Not counted in ClinVar's aggregate classification.

Literature cited by the submitters: PubMed 30578106 (cited by Yale Center for Mendelian Genomics, Yale University).